The following is an entry in ClinVar:

NM_000532.5(PCCB):c.1373C>T (p.Ala458Val)

Gene: PCCB (propionyl-CoA carboxylase subunit beta; plus strand). Cytogenetic location: 3q22.3.
Variant type: single nucleotide variant.
Coding change: c.1373C>T on transcript NM_000532.5 (MANE Select); coding-DNA position 1373, C replaced by T.
Protein change: p.Ala458Val; replaces alanine 458 with valine.
Molecular consequence: missense variant.
Genome position (GRCh38, 1-based): chr3:136,327,707, C>T. VCF-style: chr3-136327707-C-T. GRCh37 (hg19) VCF-style: chr3-136046549-C-T.
Other names: c.1433C>T, p.Ala478Val (NM_001178014.2); short protein forms A458V, A478V.
Identifiers: ClinVar variation 638044 (VCV000638044.3), dbSNP rs1576360976, ClinGen allele CA354649448.

ClinVar aggregate classification (germline): Uncertain significance. Review status: criteria provided, single submitter (1 of 4 stars). 2 submissions from 2 submitters: Uncertain significance (1). 1 of the submissions does not count toward it. Last evaluated 2025-07-01.

Conditions:
Propionic acidemia (PROP). Also called: GLYCINEMIA, KETOTIC; HYPERGLYCINEMIA WITH KETOACIDOSIS AND LEUKOPENIA; KETOTIC HYPERGLYCINEMIA. Identifiers: Orphanet 35, MedGen C0268579, MONDO:0011628, OMIM 606054, HP:0003571.

Submissions (2):

Women's Health and Genetics/Laboratory Corporation of America, LabCorp
Classification: Uncertain significance. Last evaluated: 2025-07-01. Review status: criteria provided, single submitter. Criteria: LabCorp Variant Classification Summary - May 2015. Collection method: clinical testing. Allele origin: germline.
Comment: Variant summary: PCCB c.1373C>T (p.Ala458Val) results in a non-conservative amino acid change in the encoded protein sequence. Algorithms developed to predict the effect of missense changes on protein structure and function all suggest that this variant is likely to be disruptive. The variant was absent in 251354 control chromosomes (gnomAD). c.1373C>T has been observed in individuals affected with Propionic Acidemia (Kor_2019, Liu_2022). These data indicate that the variant may be associated with disease. To our knowledge, no experimental evidence demonstrating an impact on protein function has been reported. The following publications have been ascertained in the context of this evaluation (PMID: 35331292, 31916709). ClinVar contains an entry for this variant (Variation ID: 638044). Based on the evidence outlined above, the variant was classified as VUS-possibly pathogenic.

Laboratory of Metabolic Disorders, Peking University First Hospital
Classification: Likely pathogenic for Propionic acidemia. Last evaluated: 2019-05-08. Review status: no assertion criteria provided. Collection method: clinical testing. Allele origin: inherited. Affected: yes. Not counted in ClinVar's aggregate classification.

Literature cited by the submitters: PubMed 31916709 (cited by Women's Health and Genetics/Laboratory Corporation of America, LabCorp); PubMed 35331292 (cited by Women's Health and Genetics/Laboratory Corporation of America, LabCorp).